The following is an entry in ClinVar:

NM_001077418.3(TMEM231):c.140-3C>G

Genes: TMEM231 (transmembrane protein 231; minus strand), LOC130059440 (ATAC-STARR-seq lymphoblastoid silent region 7724; plus strand). Cytogenetic location: 16q23.1.
Variant type: single nucleotide variant.
Coding change: c.140-3C>G on transcript NM_001077418.3 (MANE Select); 3 bases into the intron before coding-DNA position 140, C replaced by G.
Molecular consequence: intron variant. On other transcripts: nonsense (1).
Genome position (GRCh38, 1-based): chr16:75,555,976, G>C on the plus strand (C>G on the coding strand, the complement: TMEM231 is on the minus strand). VCF-style: chr16-75555976-G-C. GRCh37 (hg19) VCF-style: chr16-75589874-G-C.
Other names: c.296C>G, p.Ser99Ter (NM_001077416.2); short protein forms S99*.
Identifiers: ClinVar variation 1456039 (VCV001456039.6), dbSNP rs776673877, ClinGen allele CA8176275.

ClinVar aggregate classification (germline): Pathogenic (1 of 4 stars; one submission).

Conditions:
Meckel syndrome, type 11 (MKS11). Identifiers: Orphanet 564, MedGen C3809352, MONDO:0014164, OMIM 615397.
Joubert syndrome 20 (JBTS20). Identifiers: Orphanet 475, MedGen C3554235, MONDO:0013994, OMIM 614970.

Allele frequency attached by ClinVar (database versions not stated): gnomAD exomes below 0.00001; TOPMed below 0.00001; ExAC 0.00002.
gnomAD v4.1: 4 of 1,600,782 alleles (0.00025%); highest among the groups gnomAD compares: Admixed American, 0.0017%; no homozygotes.

Submission:

Labcorp Genetics (formerly Invitae), Labcorp
Classification: Pathogenic for Joubert syndrome 20; Meckel syndrome, type 11. Last evaluated: 2021-08-28. Review status: criteria provided, single submitter. Criteria: Invitae Variant Classification Sherloc (09022015). Collection method: clinical testing. Allele origin: germline.
Comment: This sequence change creates a premature translational stop signal (p.Ser99*) in the TMEM231 gene. It is expected to result in an absent or disrupted protein product. Loss-of-function variants in TMEM231 are known to be pathogenic (PMID: 23012439, 23349226). For these reasons, this variant has been classified as Pathogenic. This variant has not been reported in the literature in individuals affected with TMEM231-related conditions. This variant is present in population databases (rs776673877, ExAC 0.003%).

Literature cited by the submitters: PubMed 23012439; PubMed 23349226.